The following is an entry in ClinVar:

NM_002485.5(NBN):c.472A>G (p.Thr158Ala)

Gene: NBN (nibrin; minus strand). Cytogenetic location: 8q21.3.
Variant type: single nucleotide variant.
Coding change: c.472A>G on transcript NM_002485.5 (MANE Select); coding-DNA position 472, A replaced by G.
Protein change: p.Thr158Ala; replaces threonine 158 with alanine.
Molecular consequence: missense variant.
Genome position (GRCh38, 1-based): chr8:89,980,742, T>C on the plus strand (A>G on the coding strand, the complement: NBN is on the minus strand). VCF-style: chr8-89980742-T-C. GRCh37 (hg19) VCF-style: chr8-90992970-T-C.
Other names: c.226A>G, p.Thr76Ala (NM_001024688.3); short protein forms T158A, T76A.
Identifiers: ClinVar variation 3014880 (VCV003014880.3), dbSNP rs2129908259, ClinGen allele CA371661494.

ClinVar aggregate classification (germline): Uncertain significance (1 of 4 stars; one submission).

Conditions:
Microcephaly, normal intelligence and immunodeficiency (NBS). Also called: Ataxia telangiectasia variant V1; IMMUNODEFICIENCY, MICROCEPHALY, AND CHROMOSOMAL INSTABILITY; Nijmegen breakage syndrome; Microcephaly with normal intelligence immunodeficiency and lymphoreticular malignancies; Nonsyndromal microcephaly autosomal recessive with normal intelligence; Seemanova syndrome 2. Identifiers: Orphanet 647, MedGen C0398791, MONDO:0009623, OMIM 251260.

Submission:

Labcorp Genetics (formerly Invitae), Labcorp
Classification: Uncertain significance for Microcephaly, normal intelligence and immunodeficiency. Last evaluated: 2022-12-20. Review status: criteria provided, single submitter. Criteria: Invitae Variant Classification Sherloc (09022015). Collection method: clinical testing. Allele origin: germline.
Comment: In summary, the available evidence is currently insufficient to determine the role of this variant in disease. Therefore, it has been classified as a Variant of Uncertain Significance. Algorithms developed to predict the effect of missense changes on protein structure and function are either unavailable or do not agree on the potential impact of this missense change (SIFT: "Deleterious"; PolyPhen-2: "Probably Damaging"; Align-GVGD: "Class C0"). This variant has not been reported in the literature in individuals affected with NBN-related conditions. This variant is not present in population databases (gnomAD no frequency). This sequence change replaces threonine, which is neutral and polar, with alanine, which is neutral and non-polar, at codon 158 of the NBN protein (p.Thr158Ala).